The following is an entry in ClinVar:

NM_020708.5(SLC12A5):c.2777G>A (p.Arg926Gln)

Gene: SLC12A5 (solute carrier family 12 member 5; plus strand). Cytogenetic location: 20q13.12.
Variant type: single nucleotide variant.
Coding change: c.2777G>A on transcript NM_020708.5 (MANE Select); coding-DNA position 2777, G replaced by A.
Protein change: p.Arg926Gln; replaces arginine 926 with glutamine.
Molecular consequence: missense variant.
Genome position (GRCh38, 1-based): chr20:46,055,013, G>A. VCF-style: chr20-46055013-G-A. GRCh37 (hg19) VCF-style: chr20-44683652-G-A.
Other names: c.2846G>A, p.Arg949Gln (NM_001134771.2); c.2846G>A (NM_001134771.1); short protein forms R949Q, R926Q.
Identifiers: ClinVar variation 2158380 (VCV002158380.6), dbSNP rs766162823, ClinGen allele CA9887692.

ClinVar aggregate classification (germline): Uncertain significance. Review status: criteria provided, multiple submitters, no conflicts (2 of 4 stars). 4 submissions from 4 submitters: Uncertain significance (4). Last evaluated 2026-04-01.

Conditions:
Developmental and epileptic encephalopathy, 34 (DEE34). Also called: Early infantile epileptic encephalopathy 34; SLC12A5-Related Epilepsy of Infancy with Migrating Focal Seizures. Identifiers: Orphanet 293181, MedGen C4225257, MONDO:0014718, OMIM 616645.

Allele frequency attached by ClinVar (database versions not stated): gnomAD exomes 0.00001; ExAC 0.00002.
gnomAD v4.1: 20 of 1,613,798 alleles (0.0012%); highest among the groups gnomAD compares: Non-Finnish European, 0.0016%; no homozygotes.

Submissions (4):

CeGaT Center for Human Genetics Tuebingen
Classification: Uncertain significance. Last evaluated: 2026-04-01. Review status: criteria provided, single submitter. Criteria: CeGaT Center For Human Genetics Tuebingen Variant Classification Criteria Version 2. Collection method: clinical testing. Allele origin: germline. Affected: yes. Observed: 1 variant allele.

Labcorp Genetics (formerly Invitae), Labcorp
Classification: Uncertain significance for Developmental and epileptic encephalopathy, 34. Last evaluated: 2022-08-16. Review status: criteria provided, single submitter. Criteria: Invitae Variant Classification Sherloc (09022015). Collection method: clinical testing. Allele origin: germline.
Comment: In summary, the available evidence is currently insufficient to determine the role of this variant in disease. Therefore, it has been classified as a Variant of Uncertain Significance. Advanced modeling of protein sequence and biophysical properties (such as structural, functional, and spatial information, amino acid conservation, physicochemical variation, residue mobility, and thermodynamic stability) performed at Invitae indicates that this missense variant is not expected to disrupt SLC12A5 protein function. This variant has not been reported in the literature in individuals affected with SLC12A5-related conditions. This variant is present in population databases (rs766162823, gnomAD 0.004%). This sequence change replaces arginine, which is basic and polar, with glutamine, which is neutral and polar, at codon 926 of the SLC12A5 protein (p.Arg926Gln).

Blueprint Genetics
Classification: Uncertain significance. Last evaluated: 2022-02-07. Review status: criteria provided, single submitter. Criteria: ACMG Guidelines, 2015. Collection method: clinical testing. Allele origin: germline.

Ambry Genetics
Classification: Uncertain significance. Last evaluated: 2021-11-09. Review status: criteria provided, single submitter. Criteria: Ambry Variant Classification Scheme 2023. Collection method: clinical testing. Allele origin: germline.